The following is an entry in ClinVar:

ClinVar aggregate classification (germline): Uncertain significance (1 of 4 stars; one submission).

Conditions:
Fanconi anemia (FA). Also called: Fanconi's anemia. Identifiers: Orphanet 84, MedGen C0015625, MeSH D005199, MONDO:0019391.

Submission:

Labcorp Genetics (formerly Invitae), Labcorp
Classification: Uncertain significance for Fanconi anemia. Last evaluated: 2024-04-06. Review status: criteria provided, single submitter. Criteria: Invitae Variant Classification Sherloc (09022015). Collection method: clinical testing. Allele origin: germline.
Comment: This sequence change replaces threonine, which is neutral and polar, with threonine, which is neutral and polar, at codon 339 of the FANCC protein (Silent). This variant is present in population databases (rs754772354, gnomAD 0.0009%). This variant has not been reported in the literature in individuals affected with FANCC-related conditions. Algorithms developed to predict the effect of sequence changes on RNA splicing suggest that this variant is not likely to affect RNA splicing. In summary, the available evidence is currently insufficient to determine the role of this variant in disease. Therefore, it has been classified as a Variant of Uncertain Significance.

NM_000136.3(FANCC):c.1017C>G (p.Thr339=)

Genes: AOPEP (aminopeptidase O (putative); plus strand), FANCC (FA complementation group C; minus strand). Cytogenetic location: 9q22.32.
Variant type: single nucleotide variant.
Coding change: c.1017C>G on transcript NM_000136.3 (MANE Select); coding-DNA position 1017, C replaced by G.
Protein change: p.Thr339=; no amino-acid change (threonine 339 retained).
Molecular consequence: synonymous variant.
Genome position (GRCh38, 1-based): chr9:95,117,370, G>C on the plus strand (C>G on the coding strand, the complement: FANCC is on the minus strand). VCF-style: chr9-95117370-G-C. GRCh37 (hg19) VCF-style: chr9-97879652-G-C.
Other names: c.1017C>G, p.Thr339= (NM_001243743.2, NM_001243744.2).
Identifiers: ClinVar variation 3603814 (VCV003603814.2).
Genomic context (GRCh38, chr9:95,117,370, plus strand): 5'-CTCACCTTGAGGGTCTTGCAGCAGCACCATGGCAAGAGATGGAGAAGTGTAAGGAAAGTA[G>C]GTCTTGAGTGCAAACCGCAGCTGCCACAGGATGGAAAATCCAAAGAGCATGAACATTAAG-3'
Protein context (NP_000127.2, residues 329-349): ASKQLRFALK[Thr339=]YFPYTSPSLA